The following is an entry in ClinVar:

NM_024747.6(HPS6):c.370G>T (p.Gly124Trp)

Gene: HPS6 (HPS6 biogenesis of lysosomal organelles complex 2 subunit 3; plus strand). Cytogenetic location: 10q24.32.
Variant type: single nucleotide variant.
Coding change: c.370G>T on transcript NM_024747.6 (MANE Select); coding-DNA position 370, G replaced by T.
Protein change: p.Gly124Trp; replaces glycine 124 with tryptophan.
Molecular consequence: missense variant.
Genome position (GRCh38, 1-based): chr10:102,065,844, G>T. VCF-style: chr10-102065844-G-T. GRCh37 (hg19) VCF-style: chr10-103825601-G-T.
Other names: short protein forms G124W.
Identifiers: ClinVar variation 1492752 (VCV001492752.7), dbSNP rs766916912, ClinGen allele CA377856646.

ClinVar aggregate classification (germline): Uncertain significance. Review status: criteria provided, multiple submitters, no conflicts (2 of 4 stars). 2 submissions from 2 submitters: Uncertain significance (2). Last evaluated 2021-09-01.

Conditions:
Hermansky-Pudlak syndrome 6 (HPS6). Identifiers: Orphanet 231512, Orphanet 79430, MedGen C3888007, MONDO:0013558, OMIM 614075.

Submissions (2):

Labcorp Genetics (formerly Invitae), Labcorp
Classification: Uncertain significance. Last evaluated: 2021-09-01. Review status: criteria provided, single submitter. Criteria: Invitae Variant Classification Sherloc (09022015). Collection method: clinical testing. Allele origin: germline.
Comment: This sequence change replaces glycine with tryptophan at codon 124 of the HPS6 protein (p.Gly124Trp). The glycine residue is moderately conserved and there is a large physicochemical difference between glycine and tryptophan. The frequency data for this variant in the population databases is considered unreliable, as metrics indicate insufficient coverage at this position in the ExAC database. This variant has not been reported in the literature in individuals affected with HPS6-related conditions. Algorithms developed to predict the effect of missense changes on protein structure and function (SIFT, PolyPhen-2, Align-GVGD) all suggest that this variant is likely to be disruptive. In summary, the available evidence is currently insufficient to determine the role of this variant in disease. Therefore, it has been classified as a Variant of Uncertain Significance.

Revvity Omics, Revvity
Classification: Uncertain significance for Hermansky-Pudlak syndrome 6. Last evaluated: 2021-08-31. Review status: criteria provided, single submitter. Criteria: ACMG Guidelines, 2015. Collection method: clinical testing. Allele origin: germline.